The following is an entry in ClinVar:

NM_021254.4(CFAP298):c.854_855del (p.Ile285fs)

Genes: CFAP298 (cilia and flagella associated protein 298; minus strand), CFAP298-TCP10L (CFAP298-TCP10L readthrough; minus strand). Cytogenetic location: 21q22.11.
Variant type: Deletion.
Coding change: c.854_855del on transcript NM_021254.4 (MANE Select); coding-DNA positions 854 to 855, 2 bases deleted (TA; older notation c.854_855delTA).
Protein change: p.Ile285fs; shifts the reading frame from isoleucine 285.
Molecular consequence: frameshift variant. On other transcripts: 3 prime UTR variant (2), intron variant (1).
Genome position (GRCh38, 1-based): chr21:32,601,881-32,601,882, TA deleted on the plus strand (TA on the coding strand, the reverse complement: CFAP298 is on the minus strand); deleting any 2 consecutive bases within chr21:32,601,881-32,601,883 gives the same sequence; the c. name uses the placement nearest the transcript's 3' end. VCF-style (leftmost placement, unchanged base first): chr21-32601880-TTA-T. GRCh37 (hg19) VCF-style: chr21-33974190-TTA-T.
Other names: c.557_558del, p.Ile186fs (NM_001350334.2); c.*1207_*1208del (NM_001350335.2); c.758_759del, p.Ile253fs (NM_001350336.2); c.*342_*343del (NM_001350337.2); c.666+1279_666+1280del (NM_001350338.2); short protein forms I186fs, I253fs, I285fs.
Identifiers: ClinVar variation 947819 (VCV000947819.7), dbSNP rs1165745783, ClinGen allele CA637653222.

ClinVar aggregate classification (germline): Uncertain significance (1 of 4 stars; one submission).

Submission:

Labcorp Genetics (formerly Invitae), Labcorp
Classification: Uncertain significance. Last evaluated: 2021-07-14. Review status: criteria provided, single submitter. Criteria: Invitae Variant Classification Sherloc (09022015). Collection method: clinical testing. Allele origin: germline.
Comment: This sequence change results in a frameshift in the CFAP298 gene (p.Ile285Lysfs*11). While this is not anticipated to result in nonsense mediated decay, it is expected to disrupt the last 6 amino acid(s) of the CFAP298 protein and extend the protein by 4 additional amino acid residues. This variant is not present in population databases (ExAC no frequency). This variant has not been reported in the literature in individuals affected with CFAP298-related conditions. Experimental studies and prediction algorithms are not available or were not evaluated, and the functional significance of this variant is currently unknown. In summary, the available evidence is currently insufficient to determine the role of this variant in disease. Therefore, it has been classified as a Variant of Uncertain Significance.